The following is an entry in ClinVar:

NM_001191058.4(PDE1C):c.86-5dup

Gene: PDE1C (phosphodiesterase 1C; minus strand). Cytogenetic location: 7p14.3.
Variant type: Duplication.
Coding change: c.86-5dup on transcript NM_001191058.4; 5 bases into the intron before coding-DNA position 86, one base duplicated (T; older notation c.86-5dupT).
Molecular consequence: intron variant.
Genome position (GRCh38, 1-based): chr7:32,209,544, A duplicated on the plus strand (T on the coding strand, the reverse complement: PDE1C is on the minus strand); the first of 10 consecutive A bases (chr7:32,209,544-32,209,553); duplicating any one gives the same sequence. VCF-style (leftmost placement, unchanged base first): chr7-32209543-G-GA. GRCh37 (hg19) VCF-style: chr7-32249155-G-GA.
Other names: c.311-5dup (NM_001322059.2); c.86-5dup (NM_001322058.2).
Identifiers: ClinVar variation 3059936 (VCV003059936.3), dbSNP rs112791453, ClinGen allele CA4211430.

ClinVar aggregate classification (germline): Likely benign. Review status: criteria provided, single submitter (1 of 4 stars). 2 submissions from 2 submitters: Likely benign (1). 1 of the submissions does not count toward it. Last evaluated 2024-11-27.

Conditions:
PDE1C-related disorder. Also called: PDE1C-related condition.

Submissions (2):

Blueprint Genetics
Classification: Likely benign. Last evaluated: 2024-11-27. Review status: criteria provided, single submitter. Criteria: ACMG Guidelines, 2015. Collection method: clinical testing. Allele origin: germline.

PreventionGenetics, part of Exact Sciences
Classification: Benign for PDE1C-related condition. Last evaluated: 2019-09-10. Review status: no assertion criteria provided. Collection method: clinical testing. Allele origin: germline. Not counted in ClinVar's aggregate classification.
Comment: This variant is classified as benign based on ACMG/AMP sequence variant interpretation guidelines (Richards et al. 2015 PMID: 25741868, with internal and published modifications).